The following is an entry in ClinVar:

NM_001127898.4(CLCN5):c.1413_1414del (p.Cys471_Asp472delinsTer)

Gene: CLCN5 (chloride voltage-gated channel 5; plus strand). Cytogenetic location: Xp11.23.
Variant type: Microsatellite.
Coding change: c.1413_1414del on transcript NM_001127898.4 (MANE Select); coding-DNA positions 1413 to 1414, 2 bases deleted (TG; older notation c.1413_1414delTG).
Protein change: p.Cys471_Asp472delinsTer.
Molecular consequence: nonsense.
Genome position (GRCh38, 1-based): chrX:50,086,726-50,086,727, TG deleted; deleting any 2 consecutive bases within chrX:50,086,724-50,086,727 gives the same sequence; the c. name uses the placement nearest the transcript's 3' end. VCF-style (leftmost placement, unchanged base first): chrX-50086723-CTG-C. GRCh37 (hg19) VCF-style: chrX-49851380-CTG-C.
Other names: c.1203_1204del, p.Cys401_Asp402delinsTer (NM_000084.5); c.1413_1414del, p.Cys471_Asp472delinsTer (NM_001127899.4); c.1263_1264del, p.Cys421_Asp422delinsTer (NM_001282163.2).
Identifiers: ClinVar variation 2818595 (VCV002818595.3), dbSNP rs2519434808, ClinGen allele CA2739273519.
Genomic context (GRCh38, chrX:50,086,723, plus strand): 5'-CACAAGTGAGCTCATTTCTGAGCTGTTTAATGACTGTGGCCTTCTGGACTCCTCCAAGCT[CTG>C]TGATTATGAGAACCGTTTCAACACAAGCAAAGGGGGTGAACTGCCTGACAGACCGGCTGG-3'

ClinVar aggregate classification (germline): Pathogenic (1 of 4 stars; one submission).

Submission:

Labcorp Genetics (formerly Invitae), Labcorp
Classification: Pathogenic. Last evaluated: 2022-12-04. Review status: criteria provided, single submitter. Criteria: Invitae Variant Classification Sherloc (09022015). Collection method: clinical testing. Allele origin: germline.
Comment: This sequence change creates a premature translational stop signal (p.Cys401*) in the CLCN5 gene. It is expected to result in an absent or disrupted protein product. Loss-of-function variants in CLCN5 are known to be pathogenic (PMID: 22876375, 25907713). This variant is not present in population databases (gnomAD no frequency). This premature translational stop signal has been observed in individual(s) with clinical features consistent with Dent disease (PMID: 32495484). For these reasons, this variant has been classified as Pathogenic.

Literature cited by the submitters: PubMed 22876375; PubMed 25907713; PubMed 32495484.